The following is an entry in ClinVar:

NM_007126.5(VCP):c.286C>G (p.Leu96Val)

Gene: VCP (valosin containing protein; minus strand). Cytogenetic location: 9p13.3.
Variant type: single nucleotide variant.
Coding change: c.286C>G on transcript NM_007126.5 (MANE Select); coding-DNA position 286, C replaced by G.
Protein change: p.Leu96Val; replaces leucine 96 with valine.
Molecular consequence: missense variant.
Genome position (GRCh38, 1-based): chr9:35,067,907, G>C on the plus strand (C>G on the coding strand, the complement: VCP is on the minus strand). VCF-style: chr9-35067907-G-C. GRCh37 (hg19) VCF-style: chr9-35067904-G-C.
Other names: c.151C>G, p.Leu51Val (NM_001354927.2, NM_001354928.2); short protein forms L51V, L96V.
Identifiers: ClinVar variation 3767890 (VCV003767890.1).

ClinVar aggregate classification (germline): Likely pathogenic (1 of 4 stars; one submission).

Conditions:
Progressive muscle weakness. Identifiers: MedGen C0240421, HP:0003323.

Submission:

Clinical Genetics Laboratory, Skane University Hospital Lund
Classification: Likely pathogenic for Progressive muscle weakness. Last evaluated: 2024-08-13. Review status: criteria provided, single submitter. Criteria: ACMG Guidelines, 2015. Collection method: clinical testing. Allele origin: germline. Affected: yes.
Comment: PS4_Moderate, PM1, PM2, PP4